The following is an entry in ClinVar:

NM_024664.4(PPCS):c.72T>C (p.Ala24=)

Genes: PPCS (phosphopantothenoylcysteine synthetase; plus strand), CCDC30 (coiled-coil domain containing 30; plus strand), LOC129930343 (ATAC-STARR-seq lymphoblastoid active region 893; plus strand). Cytogenetic location: 1p34.2.
Variant type: single nucleotide variant.
Coding change: c.72T>C on transcript NM_024664.4 (MANE Select); coding-DNA position 72, T replaced by C.
Protein change: p.Ala24=; no amino-acid change (alanine 24 retained).
Molecular consequence: synonymous variant. On other transcripts: 5 prime UTR variant (2), intron variant (5).
Genome position (GRCh38, 1-based): chr1:42,456,637, T>C. VCF-style: chr1-42456637-T-C. GRCh37 (hg19) VCF-style: chr1-42922308-T-C.
Other names: c.-99T>C (NM_001287508.2); c.-621T>C (NM_001287510.2); c.72T>C, p.Ala24= (NM_001287511.2); c.-984+138T>C (NM_001355226.2); c.-328+138T>C (NM_001287507.1); c.-12+138T>C (NM_001287506.1); c.-12+9T>C (NM_001077447.3); c.-12+54T>C (NM_001287509.2).
Identifiers: ClinVar variation 1988211 (VCV001988211.5), dbSNP rs1209740267, ClinGen allele CA417541313.

ClinVar aggregate classification (germline): Likely benign. Review status: criteria provided, multiple submitters, no conflicts (2 of 4 stars). 3 submissions from 3 submitters: Likely benign (3). Last evaluated 2026-03-27.

Allele frequency attached by ClinVar (database versions not stated): gnomAD exomes below 0.00001; gnomAD 0.00001.
gnomAD v4.1: 2 of 1,574,402 alleles (0.00013%); highest among the groups gnomAD compares: Admixed American, 0.0018%; no homozygotes.

Submissions (3):

Molecular Diagnostic Laboratory for Inherited Cardiovascular Disease, Montreal Heart Institute
Classification: Likely benign. Last evaluated: 2026-03-27. Review status: criteria provided, single submitter. Criteria: ACMG Guidelines, 2015. Collection method: clinical testing. Allele origin: germline. Affected: no.
Comment: BP7

Labcorp Genetics (formerly Invitae), Labcorp
Classification: Likely benign. Last evaluated: 2025-08-07. Review status: criteria provided, single submitter. Criteria: Invitae Variant Classification Sherloc (09022015). Collection method: clinical testing. Allele origin: germline.

Blueprint Genetics
Classification: Likely benign. Last evaluated: 2024-07-29. Review status: criteria provided, single submitter. Criteria: ACMG Guidelines, 2015. Collection method: clinical testing. Allele origin: germline.